The following is an entry in ClinVar:

ClinVar aggregate classification (germline): Likely pathogenic (1 of 4 stars; one submission).

Conditions:
Intellectual developmental disorder, autosomal dominant 1. Also called: MBD5 Haploinsufficiency; Intellectual disability, autosomal dominant 1. Identifiers: Orphanet 228402, MedGen C1969562, MONDO:0007974, OMIM 156200.

Submission:

Kasturba Medical College, Manipal, Kasturba Medical College, Manipal, Manipal Academy of Higher Education, Manipal, India
Classification: Likely pathogenic for Intellectual developmental disorder, autosomal dominant 1. Last evaluated: 2026-07-31. Review status: criteria provided, single submitter. Criteria: ACMG Guidelines, 2015. Collection method: research. Allele origin: de novo. Inheritance: Autosomal dominant inheritance. Affected: yes. Observed: 1 variant allele, 1 heterozygote.
Comment: The variant is absent in heterozygous and/or homozygous state in the population database, gnomAD (v4.1.0) and in our in-house database of 4376 exomes.

NM_001378120.1(MBD5):c.498_499insTA (p.Pro167fs)

Gene: MBD5 (methyl-CpG binding domain protein 5; plus strand). Cytogenetic location: 2q23.1.
Variant type: Insertion.
Coding change: c.498_499insTA on transcript NM_001378120.1 (MANE Select); coding-DNA positions 498 to 499, TA inserted.
Protein change: p.Pro167fs; shifts the reading frame from proline 167.
Molecular consequence: frameshift variant.
Genome position: GRCh38 VCF-style: chr2-148468441-T-TTA. GRCh37 (hg19) VCF-style: chr2-149226010-T-TTA.
Other names: c.498_499insTA, p.Pro167fs (NM_001438854.1, NM_001438855.1, NM_001438856.1 and 7 more transcripts); short protein forms P167fs.
Identifiers: ClinVar variation 4886902 (VCV004886902.1).